The following is an entry in ClinVar:

NM_005236.3(ERCC4):c.849_856del (p.Leu284fs)

Gene: ERCC4 (ERCC excision repair 4, endonuclease catalytic subunit; plus strand). Cytogenetic location: 16p13.12.
Variant type: Deletion.
Coding change: c.849_856del on transcript NM_005236.3 (MANE Select); coding-DNA positions 849 to 856, 8 bases deleted (CTTAGTTC; older notation c.849_856delCTTAGTTC).
Protein change: p.Leu284fs; shifts the reading frame from leucine 284.
Molecular consequence: frameshift variant.
Genome position (GRCh38, 1-based): chr16:13,930,766-13,930,773, CTTAGTTC deleted; deleting any 8 consecutive bases within chr16:13,930,764-13,930,773 gives the same sequence; the c. name uses the placement nearest the transcript's 3' end. VCF-style (leftmost placement, unchanged base first): chr16-13930763-ATCCTTAGT-A. GRCh37 (hg19) VCF-style: chr16-14024620-ATCCTTAGT-A.
Other names: short protein forms L284fs.
Identifiers: ClinVar variation 2931871 (VCV002931871.3), dbSNP rs2543174139, ClinGen allele CA2575915864.
Genomic context (GRCh38, chr16:13,930,763, plus strand): 5'-GTTTTAGACAATCCGCCATTATCTGGATCCTTTGTGGCACCAGCTTGGAGCCAAGACTAA[ATCCTTAGT>A]TCAGGATTTGAAGATATTACGAACTTTGCTGCAGTATCTCTCTCAGTATGATTGTGTCAC-3'

ClinVar aggregate classification (germline): Pathogenic (1 of 4 stars; one submission).

Conditions:
Xeroderma pigmentosum, group F (XPF). Also called: ERCC4-Related Xeroderma Pigmentosum; XERODERMA PIGMENTOSUM, COMPLEMENTATION GROUP F; XERODERMA PIGMENTOSUM VI; XP, GROUP F; XERODERMA PIGMENTOSUM, TYPE F; Xeroderma pigmentosum, type 6. Identifiers: MedGen C0268140, MONDO:0010215, OMIM 278760.
Fanconi anemia complementation group Q. Identifiers: Orphanet 84, MedGen C3808988, MONDO:0014108, OMIM 615272.
Cockayne syndrome. Identifiers: Orphanet 191, MedGen C0009207, MONDO:0016006.

Submission:

Labcorp Genetics (formerly Invitae), Labcorp
Classification: Pathogenic for Fanconi anemia complementation group Q; Xeroderma pigmentosum, group F; Cockayne syndrome. Last evaluated: 2022-12-12. Review status: criteria provided, single submitter. Criteria: Invitae Variant Classification Sherloc (09022015). Collection method: clinical testing. Allele origin: germline.
Comment: For these reasons, this variant has been classified as Pathogenic. This variant has not been reported in the literature in individuals affected with ERCC4-related conditions. This variant is not present in population databases (gnomAD no frequency). This sequence change creates a premature translational stop signal (p.Leu284Glyfs*16) in the ERCC4 gene. It is expected to result in an absent or disrupted protein product. Loss-of-function variants in ERCC4 are known to be pathogenic (PMID: 9580660).

Literature cited by the submitters: PubMed 9580660.